The following is an entry in ClinVar:

NM_000264.5(PTCH1):c.2199A>G (p.Ser733=)

Genes: PTCH1 (patched 1; minus strand), LOC100507346 (uncharacterized LOC100507346; plus strand). Cytogenetic location: 9q22.32.
Variant type: single nucleotide variant.
Coding change: c.2199A>G on transcript NM_000264.5 (MANE Select); coding-DNA position 2199, A replaced by G.
Protein change: p.Ser733=; no amino-acid change (serine 733 retained).
Molecular consequence: synonymous variant. On other transcripts: non-coding transcript variant (2).
Genome position (GRCh38, 1-based): chr9:95,468,802, T>C on the plus strand (A>G on the coding strand, the complement: PTCH1 is on the minus strand). VCF-style: chr9-95468802-T-C. GRCh37 (hg19) VCF-style: chr9-98231084-T-C.
Other names: p.Ser733=; c.2001A>G, p.Ser667= (NM_001083602.3); c.2196A>G, p.Ser732= (NM_001083603.3); c.1746A>G, p.Ser582= (NM_001083604.3, NM_001083605.3, NM_001083606.3 and 1 more transcripts); c.2043A>G, p.Ser681= (NM_001354918.2).
Identifiers: ClinVar variation 132699 (VCV000132699.43), dbSNP rs2227970, ClinGen allele CA331994.

ClinVar aggregate classification (germline): Benign/Likely benign. Review status: criteria provided, multiple submitters, no conflicts (2 of 4 stars). 20 submissions from 19 submitters: Benign (15); Likely benign (2). 3 of the submissions do not count toward it. Last evaluated 2026-02-04.

Conditions:
Holoprosencephaly 7 (HPE7). Identifiers: Orphanet 2162, MedGen C1835820, MONDO:0012562, OMIM 610828.
Basal cell carcinoma, susceptibility to, 1. Also called: BCC1. Identifiers: MedGen C2751544, MONDO:0011556, OMIM 605462.
Basal cell nevus syndrome 1 (BCNS1). Also called: GORLIN-GOLTZ SYNDROME; MULTIPLE BASAL CELL NEVI, ODONTOGENIC KERATOCYSTS, AND SKELETAL ANOMALIES. Identifiers: MedGen CN376810, MONDO:0958174, OMIM 109400.
Hereditary cancer-predisposing syndrome. Also called: Tumor predisposition; Hereditary neoplastic syndrome; Neoplastic Syndromes, Hereditary; Hereditary Cancer Syndrome. Identifiers: Orphanet 140162, MedGen C0027672, MeSH D009386, MONDO:0015356.
Gorlin syndrome. Also called: Nevoid Basal Cell Carcinoma Syndrome; Basal cell nevus syndrome. Identifiers: Orphanet 377, MedGen C0004779, MONDO:0007187.

Allele frequency attached by ClinVar (database versions not stated): TOPMed 0.01064; ESP Exome Variant Server 0.01069; gnomAD 0.01091 and 0.01174; 1000 Genomes Project 30x 0.01359; 1000 Genomes Project 0.01378; gnomAD exomes 0.01447 and 0.01570; ExAC 0.01455.
gnomAD v4.1: 24,794 of 1,614,154 alleles (1.5%); highest among the groups gnomAD compares: East Asian, 2.6%; 224 homozygotes.

Submissions (20):

Labcorp Genetics (formerly Invitae), Labcorp
Classification: Benign for Gorlin syndrome. Last evaluated: 2026-02-04. Review status: criteria provided, single submitter. Criteria: Invitae Variant Classification Sherloc (09022015). Collection method: clinical testing. Allele origin: germline.

Mayo Clinic Laboratories, Mayo Clinic
Classification: Likely benign. Last evaluated: 2025-09-03. Review status: criteria provided, single submitter. Criteria: ACMG Guidelines, 2015. Collection method: clinical testing. Allele origin: germline. Observed: 8 variant alleles.
Comment: BS1, BP4, BP7

ARUP Laboratories, Molecular Genetics and Genomics, ARUP Laboratories
Classification: Benign. Last evaluated: 2025-05-29. Review status: criteria provided, single submitter. Criteria: ARUP Molecular Germline Variant Investigation Process 2024. Collection method: clinical testing. Allele origin: germline.

Quest Diagnostics Nichols Institute San Juan Capistrano
Classification: Benign. Last evaluated: 2025-04-30. Review status: criteria provided, single submitter. Criteria: Quest Diagnostics criteria. Collection method: clinical testing. Allele origin: unknown.

Hereditary Cancer Laboratory, Hospital Universitario 12 de Octubre
Classification: Benign for Hereditary cancer-predisposing syndrome. Last evaluated: 2025-03-25. Review status: criteria provided, single submitter. Criteria: ACMG Guidelines, 2015. Collection method: clinical testing. Allele origin: germline.

Center for Genomic Medicine, Rigshospitalet, Copenhagen University Hospital
Classification: Benign. Last evaluated: 2025-03-04. Review status: criteria provided, single submitter. Criteria: ACMG Guidelines, 2015. Collection method: clinical testing. Allele origin: germline.

Blueprint Genetics
Classification: Likely benign. Last evaluated: 2024-11-26. Review status: criteria provided, single submitter. Criteria: ACMG Guidelines, 2015. Collection method: clinical testing. Allele origin: germline.

KCCC/NGS Laboratory, Kuwait Cancer Control Center
Classification: Benign for Basal cell nevus syndrome 1. Last evaluated: 2023-07-07. Review status: criteria provided, single submitter. Criteria: ACMG Guidelines, 2015. Collection method: clinical testing. Allele origin: germline. Affected: yes.

Department of Pathology and Laboratory Medicine, Sinai Health System
Classification: Benign for Basal cell nevus syndrome 1; Basal cell carcinoma, susceptibility to, 1; Holoprosencephaly 7. Last evaluated: 2021-08-10. Review status: criteria provided, single submitter. Criteria: ACMG Guidelines, 2015. Collection method: clinical testing. Allele origin: germline. Affected: yes.

Sema4
Classification: Benign for Hereditary cancer-predisposing syndrome. Last evaluated: 2020-02-24. Review status: criteria provided, single submitter. Criteria: Sema4 Curation Guidelines. Collection method: curation. Allele origin: germline.

Illumina Laboratory Services, Illumina
Classification: Benign for Basal cell nevus syndrome 1. Last evaluated: 2018-01-13. Review status: criteria provided, single submitter. Criteria: ICSL Variant Classification Criteria 13 December 2019. Collection method: clinical testing. Allele origin: germline.
Comment: This variant was observed in the ICSL laboratory as part of a predisposition screen in an ostensibly healthy population. It had not been previously curated by ICSL or reported in the Human Gene Mutation Database (HGMD: prior to June 1st, 2018), and was therefore a candidate for classification through an automated scoring system. Utilizing variant allele frequency, disease prevalence and penetrance estimates, and inheritance mode, an automated score was calculated to assess if this variant is too frequent to cause the disease. Based on the score and internal cut-off values, a variant classified as benign is not then subjected to further curation. The score for this variant resulted in a classification of benign for this disease.

Illumina Laboratory Services, Illumina
Classification: Benign for Holoprosencephaly 7. Last evaluated: 2018-01-13. Review status: criteria provided, single submitter. Criteria: ICSL Variant Classification Criteria 13 December 2019. Collection method: clinical testing. Allele origin: germline.
Comment: the same text as in the submission from Illumina Laboratory Services, Illumina above.

Women's Health and Genetics/Laboratory Corporation of America, LabCorp
Classification: Benign. Last evaluated: 2016-05-24. Review status: criteria provided, single submitter. Criteria: LabCorp Variant Classification Summary - May 2015. Collection method: clinical testing. Allele origin: germline.
Comment: Variant summary: The PTCH1 c.2199A>G (p.Ser733Ser) variant involves the alteration of a non-conserved nucleotide, resulting in a synonymous change. One in silico tool predicts a damaging outcome for this variant, 5/5 Alamut algorithms predict no change to splicing, and ESEfinder predicts the creation of exonic splice enhancers. However, these in silico predictions have not been validated by in vivo/vitro studies. This variant was found in 1767/121406 control chromosomes (21 homozygotes) at a frequency of 0.0145545, which is approximately 849 times the estimated maximal expected allele frequency of a pathogenic PTCH1 variant (0.0000171), highly suggesting this variant is a benign polymorphism. In addition, one clinical diagnostic laboratory classified this variant as benign. Based on the high prevalence in the general population, this variant was classified as Benign.

GeneDx
Classification: Benign. Last evaluated: 2015-03-03. Review status: criteria provided, single submitter. Criteria: GeneDx Variant Classification Process June 2021. Collection method: clinical testing. Allele origin: germline. Affected: yes.

Ambry Genetics
Classification: Benign for Hereditary cancer-predisposing syndrome. Last evaluated: 2015-02-17. Review status: criteria provided, single submitter. Criteria: Ambry Variant Classification Scheme 2023. Collection method: clinical testing. Allele origin: germline.

Breakthrough Genomics
Classification: Benign. Review status: criteria provided, single submitter. Criteria: ACMG Guidelines, 2015. Collection method: not provided. Allele origin: germline. Inheritance: Autosomal dominant inheritance. Affected: yes.

PreventionGenetics, part of Exact Sciences
Classification: Benign. Review status: criteria provided, single submitter. Criteria: ACMG Guidelines, 2015. Collection method: clinical testing. Allele origin: germline.

Genome Diagnostics Laboratory, Amsterdam University Medical Center
Classification: Benign. Review status: no assertion criteria provided. Collection method: clinical testing. Allele origin: germline. Affected: yes. Study: VKGL Data-share Consensus. Not counted in ClinVar's aggregate classification.

Genome Diagnostics Laboratory, University Medical Center Utrecht
Classification: Likely benign. Review status: no assertion criteria provided. Collection method: clinical testing. Allele origin: germline. Affected: yes. Study: VKGL Data-share Consensus. Not counted in ClinVar's aggregate classification.

Laboratory of Diagnostic Genome Analysis, Leiden University Medical Center (LUMC)
Classification: Likely benign. Review status: no assertion criteria provided. Collection method: clinical testing. Allele origin: germline. Affected: yes. Study: VKGL Data-share Consensus. Not counted in ClinVar's aggregate classification.

Literature cited by the submitters: PubMed 21188540 (cited by Quest Diagnostics Nichols Institute San Juan Capistrano).